The following is an entry in ClinVar:

NM_001145809.2(MYH14):c.5678+12C>T

Gene: MYH14 (myosin heavy chain 14; plus strand). Cytogenetic location: 19q13.33.
Variant type: single nucleotide variant.
Coding change: c.5678+12C>T on transcript NM_001145809.2 (MANE Select); 12 bases into the intron after coding-DNA position 5678, C replaced by T.
Molecular consequence: intron variant.
Genome position (GRCh38, 1-based): chr19:50,301,881, C>T. VCF-style: chr19-50301881-C-T. GRCh37 (hg19) VCF-style: chr19-50805138-C-T.
Other names: c.5579+12C>T (NM_001077186.2); c.5555+12C>T (NM_024729.4).
Identifiers: ClinVar variation 226747 (VCV000226747.25), dbSNP rs3826772, ClinGen allele CA9593868.

ClinVar aggregate classification (germline): Benign. Review status: criteria provided, multiple submitters, no conflicts (2 of 4 stars). 10 submissions from 9 submitters: Benign (8). 2 of the submissions do not count toward it. Last evaluated 2026-02-04.

Conditions:
Peripheral neuropathy-myopathy-hoarseness-hearing loss syndrome. Identifiers: Orphanet 397744, MedGen C3280556, MONDO:0013711, OMIM 614369.
Autosomal dominant nonsyndromic hearing loss 4A. Also called: Deafness, autosomal dominant 4A. Identifiers: Orphanet 90635, MedGen C1833503, MONDO:0010915, OMIM 600652.

Allele frequency attached by ClinVar (database versions not stated): 1000 Genomes Project 30x 0.74532; 1000 Genomes Project 0.75080; TOPMed 0.77898; gnomAD 0.78229 and 0.78493; ESP Exome Variant Server 0.79466.
gnomAD v4.1: 1,339,497 of 1,601,276 alleles (84%); highest among the groups gnomAD compares: Non-Finnish European, 86%; 562,982 homozygotes.

Submissions (10):

Labcorp Genetics (formerly Invitae), Labcorp
Classification: Benign. Last evaluated: 2026-02-04. Review status: criteria provided, single submitter. Criteria: Invitae Variant Classification Sherloc (09022015). Collection method: clinical testing. Allele origin: germline.

Genome-Nilou Lab
Classification: Benign for Peripheral neuropathy-myopathy-hoarseness-hearing loss syndrome. Last evaluated: 2021-09-05. Review status: criteria provided, single submitter. Criteria: ACMG Guidelines, 2015. Collection method: clinical testing. Allele origin: germline. Affected: no.

Genome-Nilou Lab
Classification: Benign for Autosomal dominant nonsyndromic hearing loss 4A. Last evaluated: 2021-09-05. Review status: criteria provided, single submitter. Criteria: ACMG Guidelines, 2015. Collection method: clinical testing. Allele origin: germline. Affected: no.

GeneDx
Classification: Benign. Last evaluated: 2018-06-22. Review status: criteria provided, single submitter. Criteria: GeneDx Variant Classification Process June 2021. Collection method: clinical testing. Allele origin: germline. Affected: yes.

Illumina Laboratory Services, Illumina
Classification: Benign for Autosomal dominant nonsyndromic hearing loss 4A. Last evaluated: 2018-01-12. Review status: criteria provided, single submitter. Criteria: ICSL Variant Classification Criteria 13 December 2019. Collection method: clinical testing. Allele origin: germline.
Comment: This variant was observed in the ICSL laboratory as part of a predisposition screen in an ostensibly healthy population. It had not been previously curated by ICSL or reported in the Human Gene Mutation Database (HGMD: prior to June 1st, 2018), and was therefore a candidate for classification through an automated scoring system. Utilizing variant allele frequency, disease prevalence and penetrance estimates, and inheritance mode, an automated score was calculated to assess if this variant is too frequent to cause the disease. Based on the score and internal cut-off values, a variant classified as benign is not then subjected to further curation. The score for this variant resulted in a classification of benign for this disease.

Laboratory for Molecular Medicine, Mass General Brigham Personalized Medicine
Classification: Benign. Last evaluated: 2012-05-07. Review status: criteria provided, single submitter. Criteria: LMM Criteria. Collection method: clinical testing. Allele origin: germline. Observed: 783 variant alleles.
Comment: 5678+12C>T in Intron 40 of MYH14: This variant is not expected to have clinical significance because it is not located within the conserved splice consensus seq uence and has been identified in 33.3% (1157/3478) of African American chromosom es from a broad population by the NHLBI Exome Sequencing Project (.; dbSNP rs3826772).

Breakthrough Genomics
Classification: Benign. Review status: criteria provided, single submitter. Criteria: ACMG Guidelines, 2015. Collection method: not provided. Allele origin: germline. Inheritance: Autosomal dominant inheritance. Affected: yes.

PreventionGenetics, part of Exact Sciences
Classification: Benign. Review status: criteria provided, single submitter. Criteria: ACMG Guidelines, 2015. Collection method: clinical testing. Allele origin: germline.

Clinical Genetics, Academic Medical Center
Classification: Benign. Review status: no assertion criteria provided. Collection method: clinical testing. Allele origin: germline. Affected: yes. Study: VKGL Data-share Consensus. Not counted in ClinVar's aggregate classification.

Diagnostic Laboratory, Department of Genetics, University Medical Center Groningen
Classification: Benign. Review status: no assertion criteria provided. Collection method: clinical testing. Allele origin: germline. Affected: yes. Study: VKGL Data-share Consensus. Not counted in ClinVar's aggregate classification.